The following is an entry in ClinVar:

NM_001298.3(CNGA3):c.848G>T (p.Arg283Leu)

Gene: CNGA3 (cyclic nucleotide gated channel subunit alpha 3; plus strand). Cytogenetic location: 2q11.2.
Variant type: single nucleotide variant.
Coding change: c.848G>T on transcript NM_001298.3 (MANE Select); coding-DNA position 848, G replaced by T.
Protein change: p.Arg283Leu; replaces arginine 283 with leucine.
Molecular consequence: missense variant.
Genome position (GRCh38, 1-based): chr2:98,396,018, G>T. VCF-style: chr2-98396018-G-T. GRCh37 (hg19) VCF-style: chr2-99012481-G-T.
Other names: c.794G>T, p.Arg265Leu (NM_001079878.2); short protein forms R265L, R283L.
Identifiers: ClinVar variation 3251572 (VCV003251572.2), dbSNP rs104893614.

ClinVar aggregate classification (germline): Likely pathogenic. Review status: criteria provided, multiple submitters, no conflicts (2 of 4 stars). 2 submissions from 2 submitters: Likely pathogenic (2). Last evaluated 2024-04-03.

Conditions:
Achromatopsia 2 (ACHM2). Also called: ROD MONOCHROMACY 2; ROD MONOCHROMATISM 2; COLORBLINDNESS, TOTAL. Identifiers: Orphanet 49382, MedGen C1857618, MONDO:0009003, OMIM 216900.

Submissions (2):

Fulgent Genetics
Classification: Likely pathogenic for Achromatopsia 2. Last evaluated: 2024-04-03. Review status: criteria provided, single submitter. Criteria: ACMG Guidelines, 2015. Collection method: clinical testing. Allele origin: germline.

Women's Health and Genetics/Laboratory Corporation of America, LabCorp
Classification: Likely pathogenic for Achromatopsia 2. Last evaluated: 2024-04-03. Review status: criteria provided, single submitter. Criteria: LabCorp Variant Classification Summary - May 2015. Collection method: clinical testing. Allele origin: germline.
Comment: Variant summary: CNGA3 c.848G>T (p.Arg283Leu) results in a non-conservative amino acid change located in the Ion transport domain (IPR005821) of the encoded protein sequence. Five of five in-silico tools predict a damaging effect of the variant on protein function. The variant was absent in 251352 control chromosomes. To our knowledge, no occurrence of c.848G>T in individuals affected with Achromatopsia 2 and no experimental evidence demonstrating its impact on protein function have been reported. Additionally, at least three variants at the Arg283 residue have been reported as associated with disease (p.Arg283Trp, p.Arg283Gln, p.Arg283Pro), suggesting that this codon is functionally important. No submitters have cited clinical-significance assessments for this variant to ClinVar. Based on the evidence outlined above, the variant was classified as likely pathogenic.